The following is an entry in ClinVar:

NM_005228.5(EGFR):c.1234G>A (p.Glu412Lys)

Gene: EGFR (epidermal growth factor receptor; plus strand). Cytogenetic location: 7p11.2.
Variant type: single nucleotide variant.
Coding change: c.1234G>A on transcript NM_005228.5 (MANE Select); coding-DNA position 1234, G replaced by A.
Protein change: p.Glu412Lys; replaces glutamic acid 412 with lysine.
Molecular consequence: missense variant.
Genome position (GRCh38, 1-based): chr7:55,157,689, G>A. VCF-style: chr7-55157689-G-A. GRCh37 (hg19) VCF-style: chr7-55225382-G-A.
Other names: c.1099G>A, p.Glu367Lys (NM_001346897.2, NM_001346899.2); c.1234G>A, p.Glu412Lys (NM_001346898.2, NM_201282.2, NM_201284.2); c.1075G>A, p.Glu359Lys (NM_001346900.2); c.433G>A, p.Glu145Lys (NM_001346941.2); short protein forms E359K, E145K, E367K, E412K.
Identifiers: ClinVar variation 2783235 (VCV002783235.3), dbSNP rs2535536598, ClinGen allele CA367579146.

ClinVar aggregate classification (germline): Uncertain significance (1 of 4 stars; one submission).

Conditions:
EGFR-related lung cancer (EGFR). Identifiers: MedGen CN130014.

Submission:

Labcorp Genetics (formerly Invitae), Labcorp
Classification: Uncertain significance for EGFR-related lung cancer. Last evaluated: 2023-01-28. Review status: criteria provided, single submitter. Criteria: Invitae Variant Classification Sherloc (09022015). Collection method: clinical testing. Allele origin: germline.
Comment: In summary, the available evidence is currently insufficient to determine the role of this variant in disease. Therefore, it has been classified as a Variant of Uncertain Significance. Advanced modeling of protein sequence and biophysical properties (such as structural, functional, and spatial information, amino acid conservation, physicochemical variation, residue mobility, and thermodynamic stability) performed at Invitae indicates that this missense variant is not expected to disrupt EGFR protein function. This variant has not been reported in the literature in individuals affected with EGFR-related conditions. This variant is not present in population databases (gnomAD no frequency). This sequence change replaces glutamic acid, which is acidic and polar, with lysine, which is basic and polar, at codon 412 of the EGFR protein (p.Glu412Lys).